The following is an entry in ClinVar:

ClinVar aggregate classification (germline): Uncertain significance (1 of 4 stars; one submission).

Conditions:
ANKRD1-related dilated cardiomyopathy. Identifiers: MedGen CN119551.

gnomAD v4.1: 9 of 1,612,756 alleles (0.00056%); highest among the groups gnomAD compares: Non-Finnish European, 0.00059%; no homozygotes.

Submission:

Labcorp Genetics (formerly Invitae), Labcorp
Classification: Uncertain significance for ANKRD1-related dilated cardiomyopathy. Last evaluated: 2025-10-29. Review status: criteria provided, single submitter. Criteria: Invitae Variant Classification Sherloc (09022015). Collection method: clinical testing. Allele origin: germline.
Comment: This sequence change replaces alanine, which is neutral and non-polar, with proline, which is neutral and non-polar, at codon 226 of the ANKRD1 protein (p.Ala226Pro). This variant is present in population databases (rs761442087, gnomAD 0.0009%). This variant has not been reported in the literature in individuals affected with ANKRD1-related conditions. Invitae Evidence Modeling of protein sequence and biophysical properties (such as structural, functional, and spatial information, amino acid conservation, physicochemical variation, residue mobility, and thermodynamic stability) has been performed for this missense variant. However, the output from this modeling did not meet the statistical confidence thresholds required to predict the impact of this variant on ANKRD1 protein function. In summary, the available evidence is currently insufficient to determine the role of this variant in disease. Therefore, it has been classified as a Variant of Uncertain Significance.

NM_014391.3(ANKRD1):c.676G>C (p.Ala226Pro)

Gene: ANKRD1 (ankyrin repeat domain 1; minus strand). Cytogenetic location: 10q23.31.
Variant type: single nucleotide variant.
Coding change: c.676G>C on transcript NM_014391.3 (MANE Select); coding-DNA position 676, G replaced by C.
Protein change: p.Ala226Pro; replaces alanine 226 with proline.
Molecular consequence: missense variant.
Genome position (GRCh38, 1-based): chr10:90,915,856, C>G on the plus strand (G>C on the coding strand, the complement: ANKRD1 is on the minus strand). VCF-style: chr10-90915856-C-G. GRCh37 (hg19) VCF-style: chr10-92675613-C-G.
Other names: short protein forms A226P.
Identifiers: ClinVar variation 4739148 (VCV004739148.1).